The following is an entry in ClinVar:

ClinVar aggregate classification (germline): Uncertain significance (1 of 4 stars; one submission).

Conditions:
Neonatal-onset encephalopathy with rigidity and seizures. Also called: Lethal neonatal spasticity-epileptic encephalopathy syndrome. Identifiers: Orphanet 435845, MedGen C3281029, MONDO:0013784, OMIM 614498.

Submission:

Labcorp Genetics (formerly Invitae), Labcorp
Classification: Uncertain significance for Neonatal-onset encephalopathy with rigidity and seizures. Last evaluated: 2021-05-05. Review status: criteria provided, single submitter. Criteria: Invitae Variant Classification Sherloc (09022015). Collection method: clinical testing. Allele origin: germline.
Comment: This sequence change replaces arginine with proline at codon 285 of the BRAT1 protein (p.Arg285Pro). The arginine residue is weakly conserved and there is a moderate physicochemical difference between arginine and proline. This variant is not present in population databases (ExAC no frequency). This variant has not been reported in the literature in individuals with BRAT1-related conditions. Algorithms developed to predict the effect of missense changes on protein structure and function (SIFT, PolyPhen-2, Align-GVGD) all suggest that this variant is likely to be tolerated, but these predictions have not been confirmed by published functional studies and their clinical significance is uncertain. In summary, the available evidence is currently insufficient to determine the role of this variant in disease. Therefore, it has been classified as a Variant of Uncertain Significance.

NM_152743.4(BRAT1):c.854G>C (p.Arg285Pro)

Gene: BRAT1 (BRCA1 associated ATM activator 1; minus strand). Cytogenetic location: 7p22.3.
Variant type: single nucleotide variant.
Coding change: c.854G>C on transcript NM_152743.4 (MANE Select); coding-DNA position 854, G replaced by C.
Protein change: p.Arg285Pro; replaces arginine 285 with proline.
Molecular consequence: missense variant. On other transcripts: non-coding transcript variant (1).
Genome position (GRCh38, 1-based): chr7:2,543,273, C>G on the plus strand (G>C on the coding strand, the complement: BRAT1 is on the minus strand). VCF-style: chr7-2543273-C-G. GRCh37 (hg19) VCF-style: chr7-2582907-C-G.
Other names: c.854G>C, p.Arg285Pro (NM_001350626.2); c.329G>C, p.Arg110Pro (NM_001350627.2); short protein forms R110P, R285P.
Identifiers: ClinVar variation 1424667 (VCV001424667.8), dbSNP rs77213198, ClinGen allele CA366631104.
Genomic context (GRCh38, chr7:2,543,273, plus strand): 5'-AGCTTCAGGATCCCCAAAGCCAGGGGTCCCATGTGGGTGGGACCCAGGCAGCTCAGAGCC[C>G]GCGCCACTGTCTCCCACAGGCTGCCGTCGGAAGAACTGAACACGGGAGAACTGCAGGGAG-3'
Protein context (NP_689956.2, residues 275-295): SDGSLWETVA[Arg285Pro]ALSCLGPTHM